The following is an entry in ClinVar:

NM_020458.4(TTC7A):c.1392+57C>T

Gene: TTC7A (tetratricopeptide repeat domain 7A; plus strand). Cytogenetic location: 2p21.
Variant type: single nucleotide variant.
Coding change: c.1392+57C>T on transcript NM_020458.4 (MANE Select); 57 bases into the intron after coding-DNA position 1392, C replaced by T.
Molecular consequence: intron variant.
Genome position (GRCh38, 1-based): chr2:47,011,492, C>T. VCF-style: chr2-47011492-C-T. GRCh37 (hg19) VCF-style: chr2-47238631-C-T.
Other names: c.1290+57C>T (NM_001288953.2); c.1392+57C>T (NM_001288951.2); c.330+57C>T (NM_001288955.2).
Identifiers: ClinVar variation 1281153 (VCV001281153.4), dbSNP rs55944397, ClinGen allele CA11300173.

ClinVar aggregate classification (germline): Benign. Review status: criteria provided, multiple submitters, no conflicts (2 of 4 stars). 3 submissions from 3 submitters: Benign (3). Last evaluated 2024-01-24.

Allele frequency attached by ClinVar (database versions not stated): 1000 Genomes Project 30x 0.05356; 1000 Genomes Project 0.05371; TOPMed 0.06436; gnomAD 0.06668 and 0.06699.
gnomAD v4.1: 94,967 of 1,407,970 alleles (6.7%); highest among the groups gnomAD compares: Admixed American, 9.7%; 3,618 homozygotes.

Submissions (3):

Unidad de Genómica Garrahan, Hospital de Pediatría Garrahan
Classification: Benign. Last evaluated: 2024-01-24. Review status: criteria provided, single submitter. Criteria: ACMG Guidelines, 2015. Collection method: clinical testing. Allele origin: germline. Affected: no. Observed: 21 variant alleles.
Comment: This variant is classified as Benign based on local population frequency. This variant was detected in 22% of patients studied by a panel of primary immunodeficiencies. Number of patients: 21. Only high quality variants are reported.

GeneDx
Classification: Benign. Last evaluated: 2018-07-09. Review status: criteria provided, single submitter. Criteria: GeneDx Variant Classification Process June 2021. Collection method: clinical testing. Allele origin: germline. Affected: yes.

Breakthrough Genomics
Classification: Benign. Review status: criteria provided, single submitter. Criteria: ACMG Guidelines, 2015. Collection method: not provided. Allele origin: germline. Inheritance: Autosomal recessive inheritance. Affected: yes.